The following is an entry in ClinVar:

ClinVar aggregate classification (germline): Likely benign. Review status: criteria provided, multiple submitters, no conflicts (2 of 4 stars). 2 submissions from 2 submitters: Likely benign (2). Last evaluated 2025-06-16.

Conditions:
Dilated cardiomyopathy 2B. Identifiers: Orphanet 154, MedGen C3553409, MONDO:0013848, OMIM 614672.

Allele frequency attached by ClinVar (database versions not stated): TOPMed below 0.00001; ExAC 0.00001; gnomAD exomes 0.00001.
gnomAD v4.1: 16 of 1,612,774 alleles (0.00099%); highest among the groups gnomAD compares: Admixed American, 0.0017%; no homozygotes.

Submissions (2):

Labcorp Genetics (formerly Invitae), Labcorp
Classification: Likely benign for Dilated cardiomyopathy 2B. Last evaluated: 2025-06-16. Review status: criteria provided, single submitter. Criteria: Invitae Variant Classification Sherloc (09022015). Collection method: clinical testing. Allele origin: germline.

Laboratory for Molecular Medicine, Mass General Brigham Personalized Medicine
Classification: Likely benign. Last evaluated: 2016-02-09. Review status: criteria provided, single submitter. Criteria: LMM Criteria. Collection method: clinical testing. Allele origin: germline. Observed: 1 variant allele.
Comment: p.Ser156Ser in exon 4 of GATAD1: This variant is not expected to have clinical s ignificance because it does not alter an amino acid residue and is not located w ithin the splice consensus sequence. It has been identified in 1/66738 European chromosomes by the Exome Aggregation Consortium (ExAC; dbSNP rs781323574).

NM_021167.5(GATAD1):c.468T>C (p.Ser156=)

Gene: GATAD1 (GATA zinc finger domain containing 1; plus strand). Cytogenetic location: 7q21.2.
Variant type: single nucleotide variant.
Coding change: c.468T>C on transcript NM_021167.5 (MANE Select); coding-DNA position 468, T replaced by C.
Protein change: p.Ser156=; no amino-acid change (serine 156 retained).
Molecular consequence: synonymous variant. On other transcripts: non-coding transcript variant (1).
Genome position (GRCh38, 1-based): chr7:92,454,534, T>C. VCF-style: chr7-92454534-T-C. GRCh37 (hg19) VCF-style: chr7-92083848-T-C.
Identifiers: ClinVar variation 227375 (VCV000227375.13), dbSNP rs781323574, ClinGen allele CA4340303.